The following is an entry in ClinVar:

NM_000228.3(LAMB3):c.3434C>T (p.Ala1145Val)

Gene: LAMB3 (laminin subunit beta 3; minus strand). Cytogenetic location: 1q32.2.
Variant type: single nucleotide variant.
Coding change: c.3434C>T on transcript NM_000228.3 (MANE Select); coding-DNA position 3434, C replaced by T.
Protein change: p.Ala1145Val; replaces alanine 1145 with valine.
Molecular consequence: missense variant.
Genome position (GRCh38, 1-based): chr1:209,615,356, G>A on the plus strand (C>T on the coding strand, the complement: LAMB3 is on the minus strand). VCF-style: chr1-209615356-G-A. GRCh37 (hg19) VCF-style: chr1-209788701-G-A.
Other names: c.3434C>T, p.Ala1145Val (NM_001017402.2, NM_001127641.1); c.3434C>T (NM_000228.2); short protein forms A1145V.
Identifiers: ClinVar variation 546624 (VCV000546624.46), dbSNP rs750121518, ClinGen allele CA1374859.

ClinVar aggregate classification (germline): Uncertain significance. Review status: criteria provided, multiple submitters, no conflicts (2 of 4 stars). 3 submissions from 3 submitters: Uncertain significance (3). Last evaluated 2025-04-10.

Conditions:
Inborn genetic diseases. Identifiers: MedGen C0950123, MeSH D030342.

Allele frequency attached by ClinVar (database versions not stated): gnomAD exomes 0.00007 and 0.00006; gnomAD 0.00005 and 0.00006; TOPMed 0.00006; ExAC 0.00007.
gnomAD v4.1: 101 of 1,612,948 alleles (0.0063%); highest among the groups gnomAD compares: South Asian, 0.012%; no homozygotes.

Submissions (3):

Ambry Genetics
Classification: Uncertain significance for Inborn genetic diseases. Last evaluated: 2025-04-10. Review status: criteria provided, single submitter. Criteria: Ambry Variant Classification Scheme 2023. Collection method: clinical testing. Allele origin: germline.

Labcorp Genetics (formerly Invitae), Labcorp
Classification: Uncertain significance. Last evaluated: 2022-09-20. Review status: criteria provided, single submitter. Criteria: Invitae Variant Classification Sherloc (09022015). Collection method: clinical testing. Allele origin: germline.
Comment: This sequence change replaces alanine, which is neutral and non-polar, with valine, which is neutral and non-polar, at codon 1145 of the LAMB3 protein (p.Ala1145Val). This variant is present in population databases (rs750121518, gnomAD 0.01%). This variant has not been reported in the literature in individuals affected with LAMB3-related conditions. ClinVar contains an entry for this variant (Variation ID: 546624). Advanced modeling of protein sequence and biophysical properties (such as structural, functional, and spatial information, amino acid conservation, physicochemical variation, residue mobility, and thermodynamic stability) performed at Invitae indicates that this missense variant is not expected to disrupt LAMB3 protein function. In summary, the available evidence is currently insufficient to determine the role of this variant in disease. Therefore, it has been classified as a Variant of Uncertain Significance.

CeGaT Center for Human Genetics Tuebingen
Classification: Uncertain significance. Last evaluated: 2017-11-01. Review status: criteria provided, single submitter. Criteria: CeGaT Center For Human Genetics Tuebingen Variant Classification Criteria Version 2. Collection method: clinical testing. Allele origin: germline. Affected: yes. Observed: 1 variant allele.